The following is an entry in ClinVar:

ClinVar aggregate classification (germline): Uncertain significance. Review status: criteria provided, multiple submitters, no conflicts (2 of 4 stars). 6 submissions from 6 submitters: Uncertain significance (6). Last evaluated 2025-11-30.

Conditions:
Aplastic anemia. Identifiers: Orphanet 182040, Orphanet 88, MedGen C0002874, MONDO:0015909, OMIM 609135, HP:0001915.
Hereditary cancer-predisposing syndrome. Also called: Hereditary neoplastic syndrome; Tumor predisposition; Hereditary Cancer Syndrome; Neoplastic Syndromes, Hereditary. Identifiers: Orphanet 140162, MedGen C0027672, MeSH D009386, MONDO:0015356.
Microcephaly, normal intelligence and immunodeficiency (NBS). Also called: BERLIN BREAKAGE SYNDROME; Ataxia telangiectasia variant V1; IMMUNODEFICIENCY, MICROCEPHALY, AND CHROMOSOMAL INSTABILITY; SEEMANOVA SYNDROME II; Immunodeficiency, microcephaly with normal intelligence; Nijmegen breakage syndrome. Identifiers: Orphanet 647, MedGen C0398791, MONDO:0009623, OMIM 251260.

Allele frequency attached by ClinVar (database versions not stated): gnomAD 0.00001; TOPMed 0.00003; gnomAD exomes below 0.00001.

Submissions (6):

Ambry Genetics
Classification: Uncertain significance for Hereditary cancer-predisposing syndrome. Last evaluated: 2025-11-30. Review status: criteria provided, single submitter. Criteria: Ambry Variant Classification Scheme 2023. Collection method: clinical testing. Allele origin: germline.
Comment: The p.E258Q variant (also known as c.772G>C), located in coding exon 7 of the NBN gene, results from a G to C substitution at nucleotide position 772. The glutamic acid at codon 258 is replaced by glutamine, an amino acid with highly similar properties. This alteration was identified in an individual diagnosed with breast cancer (Dutil J et al. Sci Rep, 2019 Nov;9:17769). This amino acid position is highly conserved in available vertebrate species. In addition, this alteration is predicted to be tolerated by in silico analysis. Since supporting evidence is limited at this time, the clinical significance of this alteration remains unclear.

Dasa
Classification: Uncertain significance. Last evaluated: 2025-06-10. Review status: criteria provided, single submitter. Criteria: DASA Assertion Criteria. Collection method: clinical testing. Allele origin: germline.
Comment: NM_002485.5(NBN):c.772G>C (p.Glu258Gln) is a missense variant that results in the substitution of glutamic acid with glutamine. This variant is rare in population databases. Computational prediction algorithms are consistent with a benign effect. The currently available literature and clinical evidence are not sufficient to establish a definitive association between this variant and the reported condition. Therefore, this variant is classified as a variant of uncertain significance.

Baylor Genetics
Classification: Uncertain significance for Aplastic anemia. Last evaluated: 2023-10-26. Review status: criteria provided, single submitter. Criteria: ACMG Guidelines, 2015. Collection method: clinical testing. Allele origin: unknown.

Women's Health and Genetics/Laboratory Corporation of America, LabCorp
Classification: Uncertain significance. Last evaluated: 2023-08-08. Review status: criteria provided, single submitter. Criteria: LabCorp Variant Classification Summary - May 2015. Collection method: clinical testing. Allele origin: germline.
Comment: Variant summary: NBN c.772G>C (p.Glu258Gln) results in a conservative amino acid change located in the Nibrin, second BRCT domain of the encoded protein sequence. Three of five in-silico tools predict a benign effect of the variant on protein function. The variant was absent in 251264 control chromosomes. The available data on variant occurrences in the general population are insufficient to allow any conclusion about variant significance. To our knowledge, no occurrence of c.772G>C in individuals affected with Nijmegen Breakage Syndrome and no experimental evidence demonstrating its impact on protein function have been reported. Four submitters have cited clinical-significance assessments for this variant to ClinVar after 2014. All submitters classified the variant as uncertain significance. Based on the evidence outlined above, the variant was classified as uncertain significance.

Labcorp Genetics (formerly Invitae), Labcorp
Classification: Uncertain significance for Microcephaly, normal intelligence and immunodeficiency. Last evaluated: 2022-05-07. Review status: criteria provided, single submitter. Criteria: Invitae Variant Classification Sherloc (09022015). Collection method: clinical testing. Allele origin: germline.
Comment: This sequence change replaces glutamic acid, which is acidic and polar, with glutamine, which is neutral and polar, at codon 258 of the NBN protein (p.Glu258Gln). This variant is not present in population databases (gnomAD no frequency). This missense change has been observed in individual(s) with breast cancer (PMID: 31780696). ClinVar contains an entry for this variant (Variation ID: 411788). Algorithms developed to predict the effect of missense changes on protein structure and function are either unavailable or do not agree on the potential impact of this missense change (SIFT: "Tolerated"; PolyPhen-2: "Possibly Damaging"; Align-GVGD: "Class C0"). In summary, the available evidence is currently insufficient to determine the role of this variant in disease. Therefore, it has been classified as a Variant of Uncertain Significance.

Genome-Nilou Lab
Classification: Uncertain significance for Microcephaly, normal intelligence and immunodeficiency. Last evaluated: 2021-11-07. Review status: criteria provided, single submitter. Criteria: ACMG Guidelines, 2015. Collection method: clinical testing. Allele origin: germline. Affected: no.

Literature cited by the submitters: PubMed 31780696 (cited by Ambry Genetics and Labcorp Genetics (formerly Invitae), Labcorp).

NM_002485.5(NBN):c.772G>C (p.Glu258Gln)

Gene: NBN (nibrin; minus strand). Cytogenetic location: 8q21.3.
Variant type: single nucleotide variant.
Coding change: c.772G>C on transcript NM_002485.5 (MANE Select); coding-DNA position 772, G replaced by C.
Protein change: p.Glu258Gln; replaces glutamic acid 258 with glutamine.
Molecular consequence: missense variant.
Genome position (GRCh38, 1-based): chr8:89,970,488, C>G on the plus strand (G>C on the coding strand, the complement: NBN is on the minus strand). VCF-style: chr8-89970488-C-G. GRCh37 (hg19) VCF-style: chr8-90982716-C-G.
Other names: c.526G>C, p.Glu176Gln (NM_001024688.3); short protein forms E258Q, E176Q.
Identifiers: ClinVar variation 411788 (VCV000411788.21), dbSNP rs922057169, ClinGen allele CA16612546.